The following is an entry in ClinVar:

NM_032119.4(ADGRV1):c.2289C>A (p.Asp763Glu)

Gene: ADGRV1 (adhesion G protein-coupled receptor V1; plus strand). Cytogenetic location: 5q14.3.
Variant type: single nucleotide variant.
Coding change: c.2289C>A on transcript NM_032119.4 (MANE Select); coding-DNA position 2289, C replaced by A.
Protein change: p.Asp763Glu; replaces aspartic acid 763 with glutamic acid.
Molecular consequence: missense variant. On other transcripts: non-coding transcript variant (1).
Genome position (GRCh38, 1-based): chr5:90,642,684, C>A. VCF-style: chr5-90642684-C-A. GRCh37 (hg19) VCF-style: chr5-89938501-C-A.
Other names: short protein forms D763E.
Identifiers: ClinVar variation 1320713 (VCV001320713.2), dbSNP rs2149428031, ClinGen allele CA360387321.

ClinVar aggregate classification (germline): Uncertain significance (1 of 4 stars; one submission).

Submission:

GeneDx
Classification: Uncertain significance. Last evaluated: 2020-07-06. Review status: criteria provided, single submitter. Criteria: GeneDx Variant Classification Process June 2021. Collection method: clinical testing. Allele origin: germline. Affected: yes.
Comment: Not observed in large population cohorts (Lek et al., 2016); In silico analysis supports that this missense variant does not alter protein structure/function; Has not been previously published as pathogenic or benign to our knowledge